The following is an entry in ClinVar:

ClinVar aggregate classification (germline): Uncertain significance (1 of 4 stars; one submission).

Submission:

GeneDx
Classification: Uncertain significance. Last evaluated: 2024-12-03. Review status: criteria provided, single submitter. Criteria: GeneDx Variant Classification Process June 2021. Collection method: clinical testing. Allele origin: germline. Affected: yes.
Comment: Not observed at significant frequency in large population cohorts (gnomAD); In silico analysis supports that this missense variant has a deleterious effect on protein structure/function; Has not been previously published as pathogenic or benign to our knowledge

NM_005120.3(MED12):c.3958C>T (p.Leu1320Phe)

Gene: MED12 (mediator complex subunit 12; plus strand). Cytogenetic location: Xq13.1.
Variant type: single nucleotide variant.
Coding change: c.3958C>T on transcript NM_005120.3 (MANE Select); coding-DNA position 3958, C replaced by T.
Protein change: p.Leu1320Phe; replaces leucine 1320 with phenylalanine.
Molecular consequence: missense variant.
Genome position (GRCh38, 1-based): chrX:71,130,125, C>T. VCF-style: chrX-71130125-C-T. GRCh37 (hg19) VCF-style: chrX-70349975-C-T.
Other names: short protein forms L1320F.
Identifiers: ClinVar variation 3901549 (VCV003901549.1).